The following is an entry in ClinVar:

NM_024503.5(HIVEP3):c.6691G>A (p.Asp2231Asn)

Gene: HIVEP3 (HIVEP zinc finger 3; minus strand). Cytogenetic location: 1p34.2.
Variant type: single nucleotide variant.
Coding change: c.6691G>A on transcript NM_024503.5 (MANE Select); coding-DNA position 6691, G replaced by A.
Protein change: p.Asp2231Asn; replaces aspartic acid 2231 with asparagine.
Molecular consequence: missense variant.
Genome position (GRCh38, 1-based): chr1:41,510,981, C>T on the plus strand (G>A on the coding strand, the complement: HIVEP3 is on the minus strand). VCF-style: chr1-41510981-C-T. GRCh37 (hg19) VCF-style: chr1-41976652-C-T.
Other names: c.6688G>A, p.Asp2230Asn (NM_001127714.3); short protein forms D2230N, D2231N.
Identifiers: ClinVar variation 3046083 (VCV003046083.2), dbSNP rs144759096, ClinGen allele CA797134.

ClinVar aggregate classification (germline): Likely benign (0 of 4 stars; one submission).

Conditions:
HIVEP3-related disorder. Also called: HIVEP3-related condition.

Allele frequency attached by ClinVar (database versions not stated): ExAC 0.00055; gnomAD 0.00155; ESP Exome Variant Server 0.00162; TOPMed 0.00189; 1000 Genomes Project 0.00280; 1000 Genomes Project 30x 0.00312.
gnomAD v4.1: 469 of 1,613,480 alleles (0.029%); highest among the groups gnomAD compares: African/African-American, 0.46%; 1 homozygote.

Submission:

PreventionGenetics, part of Exact Sciences
Classification: Likely benign for HIVEP3-related condition. Last evaluated: 2020-01-28. Review status: no assertion criteria provided. Collection method: clinical testing. Allele origin: germline.
Comment: This variant is classified as likely benign based on ACMG/AMP sequence variant interpretation guidelines (Richards et al. 2015 PMID: 25741868, with internal and published modifications).